The following is an entry in ClinVar:

NM_153448.4(ESX1):c.865C>T (p.Pro289Ser)

Gene: ESX1 (ESX homeobox 1; minus strand). Cytogenetic location: Xq22.2.
Variant type: single nucleotide variant.
Coding change: c.865C>T on transcript NM_153448.4 (MANE Select); coding-DNA position 865, C replaced by T.
Protein change: p.Pro289Ser; replaces proline 289 with serine.
Molecular consequence: missense variant.
Genome position (GRCh38, 1-based): chrX:104,250,584, G>A on the plus strand (C>T on the coding strand, the complement: ESX1 is on the minus strand). VCF-style: chrX-104250584-G-A. GRCh37 (hg19) VCF-style: chrX-103495265-G-A.
Other names: short protein forms P289S.
Identifiers: ClinVar variation 2661114 (VCV002661114.24), dbSNP rs141524947, ClinGen allele CA10480015.

ClinVar aggregate classification (germline): Likely benign (1 of 4 stars; one submission).

Allele frequency attached by ClinVar (database versions not stated): ExAC 0.00004; gnomAD exomes 0.00004; gnomAD 0.00005.

Submission:

CeGaT Center for Human Genetics Tuebingen
Classification: Likely benign. Last evaluated: 2024-12-01. Review status: criteria provided, single submitter. Criteria: CeGaT Center For Human Genetics Tuebingen Variant Classification Criteria Version 2. Collection method: clinical testing. Allele origin: germline. Affected: yes. Observed: 2 variant alleles.
Comment: ESX1: BS2